The following is an entry in ClinVar:

NM_004006.3(DMD):c.1949G>A (p.Cys650Tyr)

Gene: DMD (dystrophin; minus strand). Cytogenetic location: Xp21.1.
Variant type: single nucleotide variant.
Coding change: c.1949G>A on transcript NM_004006.3 (MANE Select); coding-DNA position 1949, G replaced by A.
Protein change: p.Cys650Tyr; replaces cysteine 650 with tyrosine.
Molecular consequence: missense variant.
Genome position (GRCh38, 1-based): chrX:32,565,745, C>T on the plus strand (G>A on the coding strand, the complement: DMD is on the minus strand). VCF-style: chrX-32565745-C-T. GRCh37 (hg19) VCF-style: chrX-32583862-C-T.
Other names: p.Cys650Tyr; c.1925G>A, p.Cys642Tyr (NM_000109.4); c.1937G>A, p.Cys646Tyr (NM_004009.3); c.1580G>A, p.Cys527Tyr (NM_004010.3); short protein forms C527Y, C642Y, C646Y, C650Y.
Identifiers: ClinVar variation 4684514 (VCV004684514.1).

ClinVar aggregate classification (germline): Likely benign (1 of 4 stars; one submission).

Submission:

Mayo Clinic Laboratories, Mayo Clinic
Classification: Likely benign. Last evaluated: 2025-09-17. Review status: criteria provided, single submitter. Criteria: ACMG Guidelines, 2015. Collection method: clinical testing. Allele origin: germline. Observed: 1 variant allele.
Comment: BP2, BP4